The following is an entry in ClinVar:

ClinVar aggregate classification (germline): Uncertain significance. Review status: criteria provided, multiple submitters, no conflicts (2 of 4 stars). 2 submissions from 2 submitters: Uncertain significance (2). Last evaluated 2025-09-04.

Conditions:
Fanconi anemia (FA). Also called: Fanconi's anemia. Identifiers: Orphanet 84, MedGen C0015625, MeSH D005199, MONDO:0019391.

Allele frequency attached by ClinVar (database versions not stated): ExAC 0.00001; gnomAD exomes 0.00001; TOPMed 0.00001; gnomAD 0.00002.

Submissions (2):

GeneDx
Classification: Uncertain significance. Last evaluated: 2025-09-04. Review status: criteria provided, single submitter. Criteria: GeneDx Variant Classification Process June 2021. Collection method: clinical testing. Allele origin: germline. Affected: yes.
Comment: Not observed at significant frequency in large population cohorts (gnomAD); In silico analysis supports that this missense variant has a deleterious effect on protein structure/function; Has not been previously published as pathogenic or benign to our knowledge

Labcorp Genetics (formerly Invitae), Labcorp
Classification: Uncertain significance for Fanconi anemia. Last evaluated: 2023-07-20. Review status: criteria provided, single submitter. Criteria: Invitae Variant Classification Sherloc (09022015). Collection method: clinical testing. Allele origin: germline.
Comment: ClinVar contains an entry for this variant (Variation ID: 1195865). In summary, the available evidence is currently insufficient to determine the role of this variant in disease. Therefore, it has been classified as a Variant of Uncertain Significance. Algorithms developed to predict the effect of missense changes on protein structure and function output the following: SIFT: "Not Available"; PolyPhen-2: "Benign"; Align-GVGD: "Not Available". The leucine amino acid residue is found in multiple mammalian species, which suggests that this missense change does not adversely affect protein function. This variant has not been reported in the literature in individuals affected with FANCM-related conditions. This variant is present in population databases (rs776313378, gnomAD 0.002%). This sequence change replaces serine, which is neutral and polar, with leucine, which is neutral and non-polar, at codon 1541 of the FANCM protein (p.Ser1541Leu).

NM_020937.4(FANCM):c.4622C>T (p.Ser1541Leu)

Gene: FANCM (FA complementation group M; plus strand). Cytogenetic location: 14q21.2.
Variant type: single nucleotide variant.
Coding change: c.4622C>T on transcript NM_020937.4 (MANE Select); coding-DNA position 4622, C replaced by T.
Protein change: p.Ser1541Leu; replaces serine 1541 with leucine.
Molecular consequence: missense variant.
Genome position (GRCh38, 1-based): chr14:45,185,323, C>T. VCF-style: chr14-45185323-C-T. GRCh37 (hg19) VCF-style: chr14-45654526-C-T.
Other names: c.4544C>T, p.Ser1515Leu (NM_001308133.2); short protein forms S1515L, S1541L.
Identifiers: ClinVar variation 1195865 (VCV001195865.12), dbSNP rs776313378, ClinGen allele CA7169807.